The following is an entry in ClinVar:

NM_005534.4(IFNGR2):c.791G>A (p.Gly264Glu)

Genes: IFNGR2 (interferon gamma receptor 2; plus strand), TMEM50B (transmembrane protein 50B; minus strand). Cytogenetic location: 21q22.11.
Variant type: single nucleotide variant.
Coding change: c.791G>A on transcript NM_005534.4 (MANE Select); coding-DNA position 791, G replaced by A.
Protein change: p.Gly264Glu; replaces glycine 264 with glutamic acid.
Molecular consequence: missense variant. On other transcripts: non-coding transcript variant (1).
Genome position (GRCh38, 1-based): chr21:33,432,783, G>A. VCF-style: chr21-33432783-G-A. GRCh37 (hg19) VCF-style: chr21-34805090-G-A.
Other names: c.848G>A, p.Gly283Glu (NM_001329128.2); short protein forms G264E, G283E.
Identifiers: ClinVar variation 1488631 (VCV001488631.6), dbSNP rs2083902242, ClinGen allele CA410112207.

ClinVar aggregate classification (germline): Uncertain significance (1 of 4 stars; one submission).

Conditions:
Immunodeficiency 28 (IMD28). Also called: IFNGR2 DEFICIENCY. Identifiers: Orphanet 319547, Orphanet 319574, MedGen C4013947, MONDO:0013953, OMIM 614889.

Allele frequency attached by ClinVar (database versions not stated): gnomAD exomes below 0.00001.
gnomAD v4.1: 1 of 1,614,016 alleles (0.000062%); highest among the groups gnomAD compares: Non-Finnish European, 0.000085%; no homozygotes.

Submission:

Labcorp Genetics (formerly Invitae), Labcorp
Classification: Uncertain significance for Immunodeficiency 28. Last evaluated: 2022-02-01. Review status: criteria provided, single submitter. Criteria: Invitae Variant Classification Sherloc (09022015). Collection method: clinical testing. Allele origin: germline.
Comment: In summary, the available evidence is currently insufficient to determine the role of this variant in disease. Therefore, it has been classified as a Variant of Uncertain Significance. Algorithms developed to predict the effect of missense changes on protein structure and function are either unavailable or do not agree on the potential impact of this missense change (SIFT: "Tolerated"; PolyPhen-2: "Probably Damaging"; Align-GVGD: "Class C0"). This variant has not been reported in the literature in individuals affected with IFNGR2-related conditions. This variant is not present in population databases (gnomAD no frequency). This sequence change replaces glycine, which is neutral and non-polar, with glutamic acid, which is acidic and polar, at codon 264 of the IFNGR2 protein (p.Gly264Glu).